The following is an entry in ClinVar:

ClinVar aggregate classification (germline): Uncertain significance. Review status: criteria provided, multiple submitters, no conflicts (2 of 4 stars). 2 submissions from 2 submitters: Uncertain significance (2). Last evaluated 2022-07-25.

Conditions:
Sponastrime dysplasia. Also called: SPONDYLAR AND NASAL ALTERATIONS WITH STRIATED METAPHYSES. Identifiers: Orphanet 93357, MedGen C1300260, MONDO:0010068, OMIM 271510.

Allele frequency attached by ClinVar (database versions not stated): gnomAD exomes below 0.00001 and 0.00002; ExAC 0.00001; TOPMed 0.00002; gnomAD 0.00003.
gnomAD v4.1: 13 of 1,612,724 alleles (0.00081%); highest among the groups gnomAD compares: East Asian, 0.0067%; no homozygotes.

Submissions (2):

Labcorp Genetics (formerly Invitae), Labcorp
Classification: Uncertain significance. Last evaluated: 2022-07-25. Review status: criteria provided, single submitter. Criteria: Invitae Variant Classification Sherloc (09022015). Collection method: clinical testing. Allele origin: germline.
Comment: This sequence change replaces arginine, which is basic and polar, with histidine, which is basic and polar, at codon 880 of the TONSL protein (p.Arg880His). This variant is present in population databases (rs759080038, gnomAD 0.02%). This variant has not been reported in the literature in individuals affected with TONSL-related conditions. ClinVar contains an entry for this variant (Variation ID: 1418860). Algorithms developed to predict the effect of missense changes on protein structure and function output the following: SIFT: "Tolerated"; PolyPhen-2: "Benign"; Align-GVGD: "Class C0". The histidine amino acid residue is found in multiple mammalian species, which suggests that this missense change does not adversely affect protein function. Algorithms developed to predict the effect of sequence changes on RNA splicing suggest that this variant may disrupt the consensus splice site. In summary, the available evidence is currently insufficient to determine the role of this variant in disease. Therefore, it has been classified as a Variant of Uncertain Significance.

Department of Pathology and Laboratory Medicine, Sinai Health System
Classification: Uncertain significance for Sponastrime dysplasia. Last evaluated: 2020-07-21. Review status: criteria provided, single submitter. Criteria: ACMG Guidelines, 2015. Collection method: research. Allele origin: germline.

NM_013432.5(TONSL):c.2639G>A (p.Arg880His)

Genes: TONSL (tonsoku like, DNA repair protein; minus strand), TONSL-AS1 (TONSL antisense RNA 1; plus strand). Cytogenetic location: 8q24.3.
Variant type: single nucleotide variant.
Coding change: c.2639G>A on transcript NM_013432.5 (MANE Select); coding-DNA position 2639, G replaced by A.
Protein change: p.Arg880His; replaces arginine 880 with histidine.
Molecular consequence: missense variant.
Genome position (GRCh38, 1-based): chr8:144,435,794, C>T on the plus strand (G>A on the coding strand, the complement: TONSL is on the minus strand). VCF-style: chr8-144435794-C-T. GRCh37 (hg19) VCF-style: chr8-145661177-C-T.
Other names: short protein forms R880H.
Identifiers: ClinVar variation 1418860 (VCV001418860.4), dbSNP rs759080038, ClinGen allele CA4942764.